The following is an entry in ClinVar:

ClinVar aggregate classification (germline): Pathogenic (1 of 4 stars; one submission).

Submission:

Labcorp Genetics (formerly Invitae), Labcorp
Classification: Pathogenic. Last evaluated: 2017-09-06. Review status: criteria provided, single submitter. Criteria: Invitae Variant Classification Sherloc (09022015). Collection method: clinical testing. Allele origin: germline.
Comment: For these reasons, this variant has been classified as Pathogenic. Loss-of-function variants in RDX are known to be pathogenic (PMID: 12068294, 17226784). This variant has not been reported in the literature in individuals with RDX-related disease. This variant is not present in population databases (ExAC no frequency). This sequence change creates a premature translational stop signal (p.Tyr228Serfs*6) in the RDX gene. It is expected to result in an absent or disrupted protein product.

Literature cited by the submitters: PubMed 12068294; PubMed 17226784.

NM_002906.4(RDX):c.682_685del (p.Tyr228fs)

Gene: RDX (radixin; minus strand). Cytogenetic location: 11q22.3.
Variant type: Deletion.
Coding change: c.682_685del on transcript NM_002906.4 (MANE Select); coding-DNA positions 682 to 685, 4 bases deleted (TATG; older notation c.682_685delTATG).
Protein change: p.Tyr228fs; shifts the reading frame from tyrosine 228.
Molecular consequence: frameshift variant. On other transcripts: intron variant (2).
Genome position (GRCh38, 1-based): chr11:110,257,780-110,257,783, CATA deleted on the plus strand (TATG on the coding strand, the reverse complement: RDX is on the minus strand). VCF-style (leftmost placement, unchanged base first): chr11-110257779-TCATA-T. GRCh37 (hg19) VCF-style: chr11-110128504-TCATA-T.
Other names: c.682_685del, p.Tyr228fs (NM_001260492.2, NM_001260493.2); c.274_277del, p.Tyr92fs (NM_001260494.2); c.-82-9950_-82-9947del (NM_001260495.2); c.404+374_404+377del (NM_001260496.2); short protein forms Y228fs, Y92fs.
Identifiers: ClinVar variation 1070633 (VCV001070633.7), dbSNP rs2134363728, ClinGen allele CA2499220748.